The following is an entry in ClinVar:

NM_015512.5(DNAH1):c.5289G>A (p.Ser1763=)

Gene: DNAH1 (dynein axonemal heavy chain 1; plus strand). Cytogenetic location: 3p21.1.
Variant type: single nucleotide variant.
Coding change: c.5289G>A on transcript NM_015512.5 (MANE Select); coding-DNA position 5289, G replaced by A.
Protein change: p.Ser1763=; no amino-acid change (serine 1763 retained).
Molecular consequence: synonymous variant.
Genome position (GRCh38, 1-based): chr3:52,364,682, G>A. VCF-style: chr3-52364682-G-A. GRCh37 (hg19) VCF-style: chr3-52398698-G-A.
Identifiers: ClinVar variation 707446 (VCV000707446.12), dbSNP rs376275863, ClinGen allele CA2434160.

ClinVar aggregate classification (germline): Likely benign. Review status: criteria provided, single submitter (1 of 4 stars). 2 submissions from 2 submitters: Likely benign (1). 1 of the submissions does not count toward it. Last evaluated 2025-10-01.

Conditions:
Spermatogenic failure 18. Identifiers: MedGen C4539783, MONDO:0054615, OMIM 617576.
Ciliary dyskinesia, primary, 37 (CILD37). Also called: CILIARY DYSKINESIA, PRIMARY, 37, WITH OR WITHOUT SITUS INVERSUS. Identifiers: MedGen C4539798, MONDO:0033204, OMIM 617577.
DNAH1-related disorder. Also called: DNAH1-related condition.

Allele frequency attached by ClinVar (database versions not stated): ExAC 0.00003; gnomAD exomes 0.00005; ESP Exome Variant Server 0.00008; 1000 Genomes Project 0.00020; TOPMed 0.00011; 1000 Genomes Project 30x 0.00016; gnomAD 0.00013.
gnomAD v4.1: 40 of 1,613,948 alleles (0.0025%); highest among the groups gnomAD compares: African/African-American, 0.017%; no homozygotes.

Submissions (2):

Labcorp Genetics (formerly Invitae), Labcorp
Classification: Likely benign for Ciliary dyskinesia, primary, 37; Spermatogenic failure 18. Last evaluated: 2025-10-01. Review status: criteria provided, single submitter. Criteria: Invitae Variant Classification Sherloc (09022015). Collection method: clinical testing. Allele origin: germline.

PreventionGenetics, part of Exact Sciences
Classification: Likely benign for DNAH1-related condition. Last evaluated: 2019-12-19. Review status: no assertion criteria provided. Collection method: clinical testing. Allele origin: germline. Not counted in ClinVar's aggregate classification.
Comment: This variant is classified as likely benign based on ACMG/AMP sequence variant interpretation guidelines (Richards et al. 2015 PMID: 25741868, with internal and published modifications).